The following is an entry in ClinVar:

ClinVar aggregate classification (germline): Uncertain significance. Review status: criteria provided, multiple submitters, no conflicts (2 of 4 stars). 7 submissions from 7 submitters: Uncertain significance (7). Last evaluated 2026-01-27.

Conditions:
Catecholaminergic polymorphic ventricular tachycardia 1. Also called: RYR2-Related Catecholaminergic Polymorphic Ventricular Tachycardia; VENTRICULAR TACHYCARDIA, STRESS-INDUCED POLYMORPHIC 1; VENTRICULAR TACHYCARDIA, CATECHOLAMINERGIC POLYMORPHIC, 1, WITH OR WITHOUT ATRIAL DYSFUNCTION AND/OR DILATED CARDIOMYOPATHY. Identifiers: Orphanet 3286, MedGen C1631597, MONDO:0011484, OMIM 604772.
Catecholaminergic polymorphic ventricular tachycardia 2. Also called: CASQ2-Related Catecholaminergic Polymorphic Ventricular Tachycardia; VENTRICULAR TACHYCARDIA, STRESS-INDUCED POLYMORPHIC 2. Identifiers: Orphanet 3286, MedGen C2677794, MONDO:0012762, OMIM 611938.
Cardiovascular phenotype. Identifiers: MedGen CN230736.

Allele frequency attached by ClinVar (database versions not stated): gnomAD exomes 0.00003 and 0.00004; ExAC 0.00005; gnomAD 0.00005; TOPMed 0.00005.
gnomAD v4.1: 60 of 1,614,026 alleles (0.0037%); highest among the groups gnomAD compares: Non-Finnish European, 0.0048%; no homozygotes.

Submissions (7):

Labcorp Genetics (formerly Invitae), Labcorp
Classification: Uncertain significance for Catecholaminergic polymorphic ventricular tachycardia 1. Last evaluated: 2026-01-27. Review status: criteria provided, single submitter. Criteria: Invitae Variant Classification Sherloc (09022015). Collection method: clinical testing. Allele origin: germline.
Comment: This sequence change replaces glutamic acid, which is acidic and polar, with valine, which is neutral and non-polar, at codon 58 of the CASQ2 protein (p.Glu58Val). This variant is present in population databases (rs764732977, gnomAD 0.009%). This variant has not been reported in the literature in individuals affected with CASQ2-related conditions. ClinVar contains an entry for this variant (Variation ID: 228467). Invitae Evidence Modeling of protein sequence and biophysical properties (such as structural, functional, and spatial information, amino acid conservation, physicochemical variation, residue mobility, and thermodynamic stability) has been performed for this missense variant. However, the output from this modeling did not meet the statistical confidence thresholds required to predict the impact of this variant on CASQ2 protein function. In summary, the available evidence is currently insufficient to determine the role of this variant in disease. Therefore, it has been classified as a Variant of Uncertain Significance.

Ambry Genetics
Classification: Uncertain significance for Cardiovascular phenotype. Last evaluated: 2025-05-18. Review status: criteria provided, single submitter. Criteria: Ambry Variant Classification Scheme 2023. Collection method: clinical testing. Allele origin: germline.
Comment: The p.E58V variant (also known as c.173A>T), located in coding exon 1 of the CASQ2 gene, results from an A to T substitution at nucleotide position 173. The glutamic acid at codon 58 is replaced by valine, an amino acid with dissimilar properties. This amino acid position is well conserved in available vertebrate species. In addition, this alteration is predicted to be tolerated by in silico analysis. Since supporting evidence is limited at this time, the clinical significance of this alteration remains unclear.

Blueprint Genetics
Classification: Uncertain significance. Last evaluated: 2024-10-17. Review status: criteria provided, single submitter. Criteria: ACMG Guidelines, 2015. Collection method: clinical testing. Allele origin: germline.

GeneDx
Classification: Uncertain significance. Last evaluated: 2024-07-03. Review status: criteria provided, single submitter. Criteria: GeneDx Variant Classification Process June 2021. Collection method: clinical testing. Allele origin: germline. Affected: yes.
Comment: Has not been previously published as pathogenic or benign to our knowledge; Not observed at significant frequency in large population cohorts (gnomAD); In silico analysis supports that this missense variant has a deleterious effect on protein structure/function

Genome-Nilou Lab
Classification: Uncertain significance for Catecholaminergic polymorphic ventricular tachycardia 2. Last evaluated: 2023-04-11. Review status: criteria provided, single submitter. Criteria: ACMG Guidelines, 2015. Collection method: clinical testing. Allele origin: germline. Affected: no.

Illumina Laboratory Services, Illumina
Classification: Uncertain significance for Catecholaminergic polymorphic ventricular tachycardia 2. Last evaluated: 2018-01-12. Review status: criteria provided, single submitter. Criteria: ICSL Variant Classification Criteria 13 December 2019. Collection method: clinical testing. Allele origin: germline.

Laboratory for Molecular Medicine, Mass General Brigham Personalized Medicine
Classification: Uncertain significance. Last evaluated: 2015-03-20. Review status: criteria provided, single submitter. Criteria: LMM Criteria. Collection method: clinical testing. Allele origin: germline. Observed: 1 variant allele.
Comment: The p.Glu58Val variant in CASQ2 has not been previously reported in individuals with cardiomyopathy, but has been identified in 6/66740 European chromosomes by the Exome Aggregation Consortium (ExAC). Computa tional prediction tools and conservation analyses do not provide strong support for or against an impact to the protein. In summary, the clinical significance o f the p.Glu58Val variant is uncertain.

NM_001232.4(CASQ2):c.173A>T (p.Glu58Val)

Gene: CASQ2 (calsequestrin 2; minus strand). Cytogenetic location: 1p13.1.
Variant type: single nucleotide variant.
Coding change: c.173A>T on transcript NM_001232.4 (MANE Select); coding-DNA position 173, A replaced by T.
Protein change: p.Glu58Val; replaces glutamic acid 58 with valine.
Molecular consequence: missense variant.
Genome position (GRCh38, 1-based): chr1:115,768,369, T>A on the plus strand (A>T on the coding strand, the complement: CASQ2 is on the minus strand). VCF-style: chr1-115768369-T-A. GRCh37 (hg19) VCF-style: chr1-116310990-T-A.
Other names: short protein forms E58V.
Identifiers: ClinVar variation 228467 (VCV000228467.24), dbSNP rs764732977, ClinGen allele CA1023993.